The following is an entry in ClinVar:

ClinVar aggregate classification (germline): Uncertain significance (1 of 4 stars; one submission).

Conditions:
Arrhythmogenic right ventricular dysplasia 13. Also called: Arrhythmogenic right ventricular dysplasia, familial, 13; ARRHYTHMOGENIC RIGHT VENTRICULAR CARDIOMYOPATHY 13. Identifiers: MedGen C3810138, MONDO:0000908, OMIM 615616.

Submission:

Labcorp Genetics (formerly Invitae), Labcorp
Classification: Uncertain significance for Arrhythmogenic right ventricular dysplasia 13. Last evaluated: 2023-09-06. Review status: criteria provided, single submitter. Criteria: Invitae Variant Classification Sherloc (09022015). Collection method: clinical testing. Allele origin: germline.
Comment: This sequence change replaces tyrosine, which is neutral and polar, with histidine, which is basic and polar, at codon 482 of the CTNNA3 protein (p.Tyr482His). This variant is not present in population databases (gnomAD no frequency). This variant has not been reported in the literature in individuals affected with CTNNA3-related conditions. Advanced modeling of protein sequence and biophysical properties (such as structural, functional, and spatial information, amino acid conservation, physicochemical variation, residue mobility, and thermodynamic stability) performed at Invitae indicates that this missense variant is expected to disrupt CTNNA3 protein function. In summary, the available evidence is currently insufficient to determine the role of this variant in disease. Therefore, it has been classified as a Variant of Uncertain Significance.

NM_013266.4(CTNNA3):c.1444T>C (p.Tyr482His)

Gene: CTNNA3 (catenin alpha 3; minus strand). Cytogenetic location: 10q21.3.
Variant type: single nucleotide variant.
Coding change: c.1444T>C on transcript NM_013266.4 (MANE Select); coding-DNA position 1444, T replaced by C.
Protein change: p.Tyr482His; replaces tyrosine 482 with histidine.
Molecular consequence: missense variant.
Genome position (GRCh38, 1-based): chr10:66,520,704, A>G on the plus strand (T>C on the coding strand, the complement: CTNNA3 is on the minus strand). VCF-style: chr10-66520704-A-G. GRCh37 (hg19) VCF-style: chr10-68280462-A-G.
Other names: c.1444T>C, p.Tyr482His (NM_001127384.3); short protein forms Y482H.
Identifiers: ClinVar variation 2758389 (VCV002758389.3), dbSNP rs2547261661, ClinGen allele CA377091375.
Genomic context (GRCh38, chr10:66,520,704, plus strand): 5'-TTGTAATGTCATCTACGGCTTCAGTGAGGACATGTATATGATTCTCCCATGTACGCTTGT[A>G]CATTTCCATGGTGTTTTTGACCGCTTGACTTTTGGGTCTTGCAGCCAAAGCAAGTGCAGC-3'
Protein context (NP_037398.2, residues 472-492): SQAVKNTMEM[Tyr482His]KRTWENHIHV